The following is an entry in ClinVar:

ClinVar aggregate classification (germline): Conflicting classifications of pathogenicity. Review status: criteria provided, conflicting classifications (1 of 4 stars). 5 submissions from 5 submitters: Uncertain significance (4); Likely benign (1). Last evaluated 2025-11-25.

Conditions:
Inborn genetic diseases. Identifiers: MedGen C0950123, MeSH D030342.
Lymphoproliferative syndrome 1 (LPFS1). Identifiers: Orphanet 238505, Orphanet 538963, MedGen C3552634, MONDO:0013081, OMIM 613011.

Allele frequency attached by ClinVar (database versions not stated): gnomAD exomes 0.00008; ExAC 0.00011; 1000 Genomes Project 0.00020; TOPMed 0.00028; gnomAD 0.00029 and 0.00031; 1000 Genomes Project 30x 0.00047; ESP Exome Variant Server 0.00069.
gnomAD v4.1: 93 of 1,614,148 alleles (0.0058%); highest among the groups gnomAD compares: African/African-American, 0.11%; no homozygotes.

Submissions (5):

Labcorp Genetics (formerly Invitae), Labcorp
Classification: Likely benign for Lymphoproliferative syndrome 1. Last evaluated: 2025-11-25. Review status: criteria provided, single submitter. Criteria: Invitae Variant Classification Sherloc (09022015). Collection method: clinical testing. Allele origin: germline.

Genetic Services Laboratory, University of Chicago
Classification: Uncertain significance. Last evaluated: 2025-08-26. Review status: criteria provided, single submitter. Criteria: ACMG Guidelines, 2015. Collection method: clinical testing. Allele origin: germline.
Comment: DNA sequence analysis of the ITK gene demonstrated a sequence change, c.631G>C, in exon 6 that results in an amino acid change, p.Val211Leu. This sequence change does not appear to have been previously described in individuals with ITK-related disorders. This sequence change has been described in the gnomAD database with a frequency of 0.13% in the African subpopulation and 0.01% in the overall population (dbSNP rs142038079). The p.Val211Leu change affects a highly conserved amino acid residue located in a domain of the ITK protein that is known to be functional. In-silico pathogenicity prediction tools (SIFT, PolyPhen2, Align GVGD, REVEL) provide contradictory results for the p.Val211Leu substitution. Due to insufficient evidences and the lack of functional studies, the clinical significance of the p.Val211Leu change remains unknown at this time.

Ambry Genetics
Classification: Uncertain significance for Inborn genetic diseases. Last evaluated: 2024-07-26. Review status: criteria provided, single submitter. Criteria: Ambry Variant Classification Scheme 2023. Collection method: clinical testing. Allele origin: germline.

Center for Genomics, Ann and Robert H. Lurie Children's Hospital of Chicago
Classification: Uncertain significance for Lymphoproliferative syndrome 1. Last evaluated: 2021-03-30. Review status: criteria provided, single submitter. Criteria: ACMG Guidelines, 2015. Collection method: clinical testing. Allele origin: germline.
Comment: ITK NM_005546 exon 6 p.Val211Leu (c.631G>C): This variant has not been reported in the literature but is present in 0.1% (32/24024) of African alleles in the Genome Aggregation Database. Evolutionary conservation and computational predictive tools suggest that this variant may impact the protein. In summary, data on this variant is insufficient for disease classification. Therefore, the clinical significance of this variant is uncertain.

CeGaT Center for Human Genetics Tuebingen
Classification: Uncertain significance. Last evaluated: 2017-11-01. Review status: criteria provided, single submitter. Criteria: CeGaT Center For Human Genetics Tuebingen Variant Classification Criteria Version 2. Collection method: clinical testing. Allele origin: germline. Affected: yes. Observed: 1 variant allele.

NM_005546.4(ITK):c.631G>C (p.Val211Leu)

Gene: ITK (IL2 inducible T cell kinase; plus strand). Cytogenetic location: 5q33.3.
Variant type: single nucleotide variant.
Coding change: c.631G>C on transcript NM_005546.4 (MANE Select); coding-DNA position 631, G replaced by C.
Protein change: p.Val211Leu; replaces valine 211 with leucine.
Molecular consequence: missense variant.
Genome position (GRCh38, 1-based): chr5:157,222,998, G>C. VCF-style: chr5-157222998-G-C. GRCh37 (hg19) VCF-style: chr5-156650008-G-C.
Other names: short protein forms V211L.
Identifiers: ClinVar variation 540358 (VCV000540358.55), dbSNP rs142038079, ClinGen allele CA3532825.